The following is an entry in ClinVar:

NM_020922.5(WNK3):c.4978G>T (p.Glu1660Ter)

Gene: WNK3 (WNK lysine deficient protein kinase 3; minus strand). Cytogenetic location: Xp11.22.
Variant type: single nucleotide variant.
Coding change: c.4978G>T on transcript NM_020922.5 (MANE Select); coding-DNA position 4978, G replaced by T.
Protein change: p.Glu1660Ter; replaces glutamic acid 1660 with a stop codon.
Molecular consequence: nonsense.
Genome position (GRCh38, 1-based): chrX:54,202,086, C>A on the plus strand (G>T on the coding strand, the complement: WNK3 is on the minus strand). VCF-style: chrX-54202086-C-A. GRCh37 (hg19) VCF-style: chrX-54228519-C-A.
Other names: c.4807G>T, p.Glu1603Ter (NM_001002838.4, NM_001395166.1); short protein forms E1603*, E1660*.
Identifiers: ClinVar variation 3774998 (VCV003774998.1).

ClinVar aggregate classification (germline): Pathogenic (1 of 4 stars; one submission).

Submission:

GeneDx
Classification: Pathogenic. Last evaluated: 2024-09-25. Review status: criteria provided, single submitter. Criteria: GeneDx Variant Classification Process June 2021. Collection method: clinical testing. Allele origin: germline. Affected: yes.
Comment: Nonsense variant predicted to result in protein truncation or nonsense mediated decay in a gene for which loss of function is a known mechanism of disease; Not observed at significant frequency in large population cohorts (gnomAD); Has not been previously published as pathogenic or benign to our knowledge